The following is an entry in ClinVar:

ClinVar aggregate classification (germline): Uncertain significance. Review status: criteria provided, multiple submitters, no conflicts (2 of 4 stars). 3 submissions from 3 submitters: Uncertain significance (3). Last evaluated 2026-08-31.

Conditions:
TTN-related disorder. Also called: TTN-related condition; TTN-related disease; TTN-related disorders.

Allele frequency attached by ClinVar (database versions not stated): gnomAD exomes below 0.00001; ExAC 0.00001; gnomAD 0.00002; ESP Exome Variant Server 0.00008.
gnomAD v4.1: 9 of 1,613,798 alleles (0.00056%); highest among the groups gnomAD compares: Admixed American, 0.0067%; no homozygotes.

Submissions (3):

PreventionGenetics, part of Exact Sciences
Classification: Uncertain significance for TTN-related condition. Last evaluated: 2026-08-31. Review status: criteria provided, single submitter. Criteria: ACMG Guidelines, 2015. Collection method: clinical testing. Allele origin: germline.
Comment: The TTN c.102427A>T variant is predicted to result in the amino acid substitution p.Met34143Leu. This variant has been reported in an individual with atrial fibrillation (Table S1, Pavel et al. 2026. PubMed ID: 41569083). This variant is reported in 0.0029% of alleles in individuals of Latino descent in gnomAD. At this time, the clinical significance of this variant is uncertain due to the absence of conclusive functional and genetic evidence.

Women's Health and Genetics/Laboratory Corporation of America, LabCorp
Classification: Uncertain significance. Last evaluated: 2024-07-12. Review status: criteria provided, single submitter. Criteria: LabCorp Variant Classification Summary - May 2015. Collection method: clinical testing. Allele origin: germline.
Comment: Variant summary: TTN c.94723A>T (p.Met31575Leu) results in a conservative amino acid change located in the M band region of the encoded protein sequence. Four of four in-silico tools predict a benign effect of the variant on protein function. The variant allele was found at a frequency of 4e-06 in 249024 control chromosomes. The available data on variant occurrences in the general population are insufficient to allow any conclusion about variant significance. To our knowledge, no occurrence of c.94723A>T in individuals affected with Limb-Girdle Muscular Dystrophy, Type 2J and no experimental evidence demonstrating its impact on protein function have been reported. ClinVar contains an entry for this variant (Variation ID: 2438045). Based on the evidence outlined above, the variant was classified as uncertain significance.

Revvity Omics, Revvity
Classification: Uncertain significance. Last evaluated: 2019-06-28. Review status: criteria provided, single submitter. Criteria: ACMG Guidelines, 2015. Collection method: clinical testing. Allele origin: germline.

NM_001267550.2(TTN):c.102427A>T (p.Met34143Leu)

Genes: TTN (titin; minus strand), TTN-AS1 (TTN antisense RNA 1; plus strand). Cytogenetic location: 2q31.2.
Variant type: single nucleotide variant.
Coding change: c.102427A>T on transcript NM_001267550.2 (MANE Select); coding-DNA position 102427, A replaced by T.
Protein change: p.Met34143Leu; replaces methionine 34143 with leucine.
Molecular consequence: missense variant.
Genome position (GRCh38, 1-based): chr2:178,534,188, T>A on the plus strand (A>T on the coding strand, the complement: TTN is on the minus strand). VCF-style: chr2-178534188-T-A. GRCh37 (hg19) VCF-style: chr2-179398915-T-A.
Other names: c.97504A>T, p.Met32502Leu (NM_001256850.1); c.75232A>T, p.Met25078Leu (NM_003319.4); c.94723A>T, p.Met31575Leu (NM_133378.4); c.75607A>T, p.Met25203Leu (NM_133432.3); c.75808A>T, p.Met25270Leu (NM_133437.4); short protein forms M25078L, M25203L, M25270L, M31575L, M32502L, M34143L.
Identifiers: ClinVar variation 2438045 (VCV002438045.5), dbSNP rs371226574, ClinGen allele CA1985755.